The following is an entry in ClinVar:

NM_002900.3(RBP3):c.1414G>A (p.Glu472Lys)

Gene: RBP3 (retinol binding protein 3; plus strand). Cytogenetic location: 10q11.22.
Variant type: single nucleotide variant.
Coding change: c.1414G>A on transcript NM_002900.3 (MANE Select); coding-DNA position 1414, G replaced by A.
Protein change: p.Glu472Lys; replaces glutamic acid 472 with lysine.
Molecular consequence: missense variant.
Genome position (GRCh38, 1-based): chr10:47,349,898, G>A. VCF-style: chr10-47349898-G-A. GRCh37 (hg19) VCF-style: chr10-48389464-C-T.
Other names: short protein forms E472K.
Identifiers: ClinVar variation 1017163 (VCV001017163.8), dbSNP rs976101975, ClinGen allele CA206461828.

ClinVar aggregate classification (germline): Uncertain significance (1 of 4 stars; one submission).

Allele frequency attached by ClinVar (database versions not stated): gnomAD exomes below 0.00001; TOPMed 0.00002.
gnomAD v4.1: 1 of 1,613,154 alleles (0.000062%); highest among the groups gnomAD compares: Non-Finnish European, 0.000085%; no homozygotes.

Submission:

Labcorp Genetics (formerly Invitae), Labcorp
Classification: Uncertain significance. Last evaluated: 2020-06-13. Review status: criteria provided, single submitter. Criteria: Invitae Variant Classification Sherloc (09022015). Collection method: clinical testing. Allele origin: germline.
Comment: This variant is not present in population databases (ExAC no frequency). This variant has not been reported in the literature in individuals with RBP3-related conditions. Algorithms developed to predict the effect of missense changes on protein structure and function are either unavailable or do not agree on the potential impact of this missense change (SIFT: "Deleterious"; PolyPhen-2: "Benign"; Align-GVGD: "Class C0"). In summary, the available evidence is currently insufficient to determine the role of this variant in disease. Therefore, it has been classified as a Variant of Uncertain Significance. This sequence change replaces glutamic acid with lysine at codon 472 of the RBP3 protein (p.Glu472Lys). The glutamic acid residue is highly conserved and there is a small physicochemical difference between glutamic acid and lysine.